The following is an entry in ClinVar:

ClinVar aggregate classification (germline): Benign. Review status: criteria provided, multiple submitters, no conflicts (2 of 4 stars). 2 submissions from 2 submitters: Benign (2). Last evaluated 2026-07-09.

Conditions:
TENM3-related disorder. Also called: TENM3-related condition.

Allele frequency attached by ClinVar (database versions not stated): gnomAD 0.00083 and 0.00121; gnomAD exomes 0.00089 and 0.00229; TOPMed 0.00142; ExAC 0.00230; 1000 Genomes Project 30x 0.00578; 1000 Genomes Project 0.00619.
gnomAD v4.1: 1,504 of 1,613,932 alleles (0.093%); highest among the groups gnomAD compares: East Asian, 2.9%; 21 homozygotes.

Submissions (2):

PreventionGenetics, part of Exact Sciences
Classification: Benign for TENM3-related condition. Last evaluated: 2026-07-09. Review status: criteria provided, single submitter. Criteria: ACMG Guidelines, 2015. Collection method: clinical testing. Allele origin: germline.
Comment: This variant is classified as benign based on ACMG/AMP sequence variant interpretation guidelines (Richards et al. 2015 PMID: 25741868, with internal and published modifications).

Labcorp Genetics (formerly Invitae), Labcorp
Classification: Benign. Last evaluated: 2025-10-09. Review status: criteria provided, single submitter. Criteria: Invitae Variant Classification Sherloc (09022015). Collection method: clinical testing. Allele origin: germline.

NM_001080477.4(TENM3):c.6817C>T (p.Leu2273=)

Gene: TENM3 (teneurin transmembrane protein 3; plus strand). Cytogenetic location: 4q35.1.
Variant type: single nucleotide variant.
Coding change: c.6817C>T on transcript NM_001080477.4 (MANE Select); coding-DNA position 6817, C replaced by T.
Protein change: p.Leu2273=; no amino-acid change (leucine 2273 retained).
Molecular consequence: synonymous variant.
Genome position (GRCh38, 1-based): chr4:182,793,489, C>T. VCF-style: chr4-182793489-C-T. GRCh37 (hg19) VCF-style: chr4-183714642-C-T.
Identifiers: ClinVar variation 779879 (VCV000779879.10), dbSNP rs3811763, ClinGen allele CA3148851.